The following is an entry in ClinVar:

ClinVar aggregate classification (germline): Conflicting classifications of pathogenicity. Review status: criteria provided, conflicting classifications (1 of 4 stars). 3 submissions from 3 submitters: Uncertain significance (2); Likely benign (1). Last evaluated 2026-01-26.

Conditions:
Benign neonatal seizures. Also called: Benign neonatal familial convulsions; Benign familial neonatal epilepsy; Convulsions benign familial neonatal dominant form; Autosomal dominant form of benign neonatal seizures; Benign familial neonatal seizures. Identifiers: Orphanet 1949, MedGen C0220669, MONDO:0016027.
Inborn genetic diseases. Identifiers: MedGen C0950123, MeSH D030342.

Allele frequency attached by ClinVar (database versions not stated): gnomAD 0.00001; TOPMed 0.00002; gnomAD exomes 0.00004; ExAC 0.00008.
gnomAD v4.1: 18 of 1,453,894 alleles (0.0012%); highest among the groups gnomAD compares: East Asian, 0.038%; no homozygotes.

Submissions (3):

Labcorp Genetics (formerly Invitae), Labcorp
Classification: Uncertain significance for Benign neonatal seizures. Last evaluated: 2026-01-26. Review status: criteria provided, single submitter. Criteria: Invitae Variant Classification Sherloc (09022015). Collection method: clinical testing. Allele origin: germline.
Comment: This sequence change replaces alanine, which is neutral and non-polar, with valine, which is neutral and non-polar, at codon 33 of the KCNQ3 protein (p.Ala33Val). This variant is present in population databases (rs761196042, gnomAD 0.07%). This variant has not been reported in the literature in individuals affected with KCNQ3-related conditions. ClinVar contains an entry for this variant (Variation ID: 835443). Invitae Evidence Modeling of protein sequence and biophysical properties (such as structural, functional, and spatial information, amino acid conservation, physicochemical variation, residue mobility, and thermodynamic stability) indicates that this missense variant is not expected to disrupt KCNQ3 protein function with a negative predictive value of 95%. In summary, the available evidence is currently insufficient to determine the role of this variant in disease. Therefore, it has been classified as a Variant of Uncertain Significance.

Women's Health and Genetics/Laboratory Corporation of America, LabCorp
Classification: Uncertain significance. Last evaluated: 2023-11-14. Review status: criteria provided, single submitter. Criteria: LabCorp Variant Classification Summary - May 2015. Collection method: clinical testing. Allele origin: germline.
Comment: Variant summary: KCNQ3 c.98C>T (p.Ala33Val) results in a non-conservative amino acid change in the encoded protein sequence. Three of five in-silico tools predict a benign effect of the variant on protein function. The variant allele was found at a frequency of 4e-05 in 99770 control chromosomes. The available data on variant occurrences in the general population are insufficient to allow any conclusion about variant significance. To our knowledge, no occurrence of c.98C>T in individuals affected with Benign Familial Neonatal Seizures 2 and no experimental evidence demonstrating its impact on protein function have been reported. Two submitters have cited clinical-significance assessments for this variant to ClinVar after 2014. One submitter classified the variant as likely benign, and one submitter classified the variant as uncertain significance. Based on the evidence outlined above, the variant was classified as uncertain significance.

Ambry Genetics
Classification: Likely benign for Inborn genetic diseases. Last evaluated: 2023-09-13. Review status: criteria provided, single submitter. Criteria: Ambry Variant Classification Scheme 2023. Collection method: clinical testing. Allele origin: germline.

NM_004519.4(KCNQ3):c.98C>T (p.Ala33Val)

Gene: KCNQ3 (potassium voltage-gated channel subfamily Q member 3; minus strand). Cytogenetic location: 8q24.22.
Variant type: single nucleotide variant.
Coding change: c.98C>T on transcript NM_004519.4 (MANE Select); coding-DNA position 98, C replaced by T.
Protein change: p.Ala33Val; replaces alanine 33 with valine.
Molecular consequence: missense variant.
Genome position (GRCh38, 1-based): chr8:132,480,435, G>A on the plus strand (C>T on the coding strand, the complement: KCNQ3 is on the minus strand). VCF-style: chr8-132480435-G-A. GRCh37 (hg19) VCF-style: chr8-133492682-G-A.
Other names: short protein forms A33V.
Identifiers: ClinVar variation 835443 (VCV000835443.10), dbSNP rs761196042, ClinGen allele CA4881027.